The following is an entry in ClinVar:

ClinVar aggregate classification (germline): Uncertain significance. Review status: criteria provided, multiple submitters, no conflicts (2 of 4 stars). 2 submissions from 2 submitters: Uncertain significance (2). Last evaluated 2026-01-28.

Conditions:
Hereditary cancer-predisposing syndrome. Also called: Tumor predisposition; Hereditary neoplastic syndrome; Neoplastic Syndromes, Hereditary; Hereditary Cancer Syndrome. Identifiers: Orphanet 140162, MedGen C0027672, MeSH D009386, MONDO:0015356.
Gastrointestinal stromal tumor. Also called: Gastrointestinal stroma tumor; Gastrointestinal stromal tumor, somatic. Identifiers: Orphanet 44890, MedGen C0238198, MeSH D046152, MONDO:0011719, OMIM 606764, HP:0100723.

Allele frequency attached by ClinVar (database versions not stated): gnomAD exomes below 0.00001; TOPMed below 0.00001; gnomAD 0.00001; 1000 Genomes Project 30x 0.00016; 1000 Genomes Project 0.00020.
gnomAD v4.1: 7 of 1,614,072 alleles (0.00043%); highest among the groups gnomAD compares: East Asian, 0.0045%; no homozygotes.

Submissions (2):

Labcorp Genetics (formerly Invitae), Labcorp
Classification: Uncertain significance for Gastrointestinal stromal tumor. Last evaluated: 2026-01-28. Review status: criteria provided, single submitter. Criteria: Invitae Variant Classification Sherloc (09022015). Collection method: clinical testing. Allele origin: germline.
Comment: This sequence change replaces lysine, which is basic and polar, with glutamic acid, which is acidic and polar, at codon 994 of the PDGFRA protein (p.Lys994Glu). This variant is not present in population databases (gnomAD no frequency). This variant has not been reported in the literature in individuals affected with PDGFRA-related conditions. ClinVar contains an entry for this variant (Variation ID: 459078). Invitae Evidence Modeling of protein sequence and biophysical properties (such as structural, functional, and spatial information, amino acid conservation, physicochemical variation, residue mobility, and thermodynamic stability) indicates that this missense variant is not expected to disrupt PDGFRA protein function with a negative predictive value of 80%. In summary, the available evidence is currently insufficient to determine the role of this variant in disease. Therefore, it has been classified as a Variant of Uncertain Significance.

Ambry Genetics
Classification: Uncertain significance for Hereditary cancer-predisposing syndrome. Last evaluated: 2025-12-15. Review status: criteria provided, single submitter. Criteria: Ambry Variant Classification Scheme 2023. Collection method: clinical testing. Allele origin: germline.
Comment: The p.K994E variant (also known as c.2980A>G), located in coding exon 21 of the PDGFRA gene, results from an A to G substitution at nucleotide position 2980. The lysine at codon 994 is replaced by glutamic acid, an amino acid with similar properties. This amino acid position is highly conserved in available vertebrate species. In addition, the in silico prediction for this alteration is inconclusive. Since supporting evidence is limited at this time, the clinical significance of this alteration remains unclear.

NM_006206.6(PDGFRA):c.2980A>G (p.Lys994Glu)

Gene: PDGFRA (platelet derived growth factor receptor alpha; plus strand). Cytogenetic location: 4q12.
Variant type: single nucleotide variant.
Coding change: c.2980A>G on transcript NM_006206.6 (MANE Select); coding-DNA position 2980, A replaced by G.
Protein change: p.Lys994Glu; replaces lysine 994 with glutamic acid.
Molecular consequence: missense variant.
Genome position (GRCh38, 1-based): chr4:54,290,412, A>G. VCF-style: chr4-54290412-A-G. GRCh37 (hg19) VCF-style: chr4-55156579-A-G.
Other names: c.3055A>G, p.Lys1019Glu (NM_001347828.2); c.2980A>G, p.Lys994Glu (NM_001347829.2); c.3019A>G, p.Lys1007Glu (NM_001347830.2); short protein forms K994E, K1007E, K1019E.
Identifiers: ClinVar variation 459078 (VCV000459078.13), dbSNP rs552254049, ClinGen allele CA96830173.